The following is an entry in ClinVar:

NM_020632.3(ATP6V0A4):c.1573-3C>T

Gene: ATP6V0A4 (ATPase H+ transporting V0 subunit a4; minus strand). Cytogenetic location: 7q34.
Variant type: single nucleotide variant.
Coding change: c.1573-3C>T on transcript NM_020632.3 (MANE Select); 3 bases into the intron before coding-DNA position 1573, C replaced by T.
Molecular consequence: intron variant.
Genome position (GRCh38, 1-based): chr7:138,734,257, G>A on the plus strand (C>T on the coding strand, the complement: ATP6V0A4 is on the minus strand). VCF-style: chr7-138734257-G-A. GRCh37 (hg19) VCF-style: chr7-138419002-G-A.
Other names: c.1573-3C>T (NM_130841.2, NM_130840.3, NM_130841.3).
Identifiers: ClinVar variation 747071 (VCV000747071.17), dbSNP rs182512951, ClinGen allele CA4504708.

ClinVar aggregate classification (germline): Likely benign. Review status: criteria provided, multiple submitters, no conflicts (2 of 4 stars). 5 submissions from 5 submitters: Likely benign (5). Last evaluated 2026-01-28.

Conditions:
Autosomal recessive distal renal tubular acidosis. Identifiers: Orphanet 402041, MedGen C1864498, MONDO:0018440.
Renal tubular acidosis, distal, 3, with or without sensorineural hearing loss (DRTA3). Identifiers: MedGen C5399980, MONDO:0011268, OMIM 602722.

Allele frequency attached by ClinVar (database versions not stated): gnomAD exomes 0.00043 and 0.00031; ExAC 0.00054; 1000 Genomes Project 30x 0.00125; gnomAD 0.00153 and 0.00139; ESP Exome Variant Server 0.00185; 1000 Genomes Project 0.00140; TOPMed 0.00144.

Submissions (6):

Labcorp Genetics (formerly Invitae), Labcorp
Classification: Likely benign. Last evaluated: 2026-01-28. Review status: criteria provided, single submitter. Criteria: Invitae Variant Classification Sherloc (09022015). Collection method: clinical testing. Allele origin: germline.

Genomic Medicine Center of Excellence, King Faisal Specialist Hospital and Research Centre
Classification: Likely benign. Last evaluated: 2025-08-18. Review status: criteria provided, single submitter. Criteria: ACMG Guidelines, 2015. Collection method: clinical testing. Allele origin: germline.

Blueprint Genetics
Classification: Likely benign. Last evaluated: 2024-10-18. Review status: criteria provided, single submitter. Criteria: ACMG Guidelines, 2015. Collection method: clinical testing. Allele origin: germline.

Fulgent Genetics
Classification: Likely benign for Renal tubular acidosis, distal, 3, with or without sensorineural hearing loss. Last evaluated: 2022-05-16. Review status: criteria provided, single submitter. Criteria: ACMG Guidelines, 2015. Collection method: clinical testing. Allele origin: unknown.

Illumina Laboratory Services, Illumina
Classification: Likely benign for Renal tubular acidosis, distal, 3, with or without sensorineural hearing loss. Last evaluated: 2018-01-13. Review status: criteria provided, single submitter. Criteria: ICSL Variant Classification Criteria 13 December 2019. Collection method: clinical testing. Allele origin: germline.
Comment: This variant was observed in the ICSL laboratory as part of a predisposition screen in an ostensibly healthy population. It had not been previously curated by ICSL or reported in the Human Gene Mutation Database (HGMD: prior to June 1st, 2018), and was therefore a candidate for classification through an automated scoring system. Utilizing variant allele frequency, disease prevalence and penetrance estimates, and inheritance mode, an automated score was calculated to assess if this variant is too frequent to cause the disease. Based on the score and internal cut-off values, a variant classified as likely benign is not then subjected to further curation. The score for this variant resulted in a classification of likely benign for this disease.

Dr. Peter K. Rogan Lab, Western University
No classification provided (evidence only). Condition: Lung cancer. Review status: no classification provided. Collection method: in vitro. Allele origin: not applicable. Functional consequence: retained intron. Not counted in ClinVar's aggregate classification.